The following is an entry in ClinVar:

ClinVar aggregate classification (germline): Uncertain significance. Review status: criteria provided, multiple submitters, no conflicts (2 of 4 stars). 3 submissions from 3 submitters: Uncertain significance (3). Last evaluated 2025-03-13.

Conditions:
Familial adenomatous polyposis 2. Also called: MUTYH-related attenuated familial adenomatous polyposis; Adenomas, multiple colorectal; COLORECTAL ADENOMATOUS POLYPOSIS, AUTOSOMAL RECESSIVE; ADENOMAS, MULTIPLE COLORECTAL, AUTOSOMAL RECESSIVE; FAP type 2; MUTYH-associated polyposis. Identifiers: Orphanet 220460, Orphanet 247798, MedGen C3272841, MONDO:0012041, OMIM 608456.
Hereditary cancer-predisposing syndrome. Also called: Hereditary neoplastic syndrome; Tumor predisposition; Hereditary Cancer Syndrome; Neoplastic Syndromes, Hereditary. Identifiers: Orphanet 140162, MedGen C0027672, MeSH D009386, MONDO:0015356.

Submissions (3):

Ambry Genetics
Classification: Uncertain significance for Hereditary cancer-predisposing syndrome. Last evaluated: 2025-03-13. Review status: criteria provided, single submitter. Criteria: Ambry Variant Classification Scheme 2023. Collection method: clinical testing. Allele origin: germline.
Comment: The p.P295S variant (also known as c.883C>T), located in coding exon 10 of the MUTYH gene, results from a C to T substitution at nucleotide position 883. The proline at codon 295 is replaced by serine, an amino acid with similar properties. This alteration has been identified in at least 1/302 individuals with pancreatic cancer. (Chaffee KG et al. Genet Med, 2018 Jan;20:119-127). This amino acid position is highly conserved in available vertebrate species. In addition, this alteration is predicted to be deleterious by in silico analysis. Based on internal structural analysis, this variant is more disruptive than known pathogenic variants and is anticipated to result in a significant decrease in structural stability (Ambry internal data). Based on the available evidence, the clinical significance of this variant remains unclear.

Labcorp Genetics (formerly Invitae), Labcorp
Classification: Uncertain significance for Familial adenomatous polyposis 2. Last evaluated: 2023-09-17. Review status: criteria provided, single submitter. Criteria: Invitae Variant Classification Sherloc (09022015). Collection method: clinical testing. Allele origin: germline.
Comment: This sequence change replaces proline, which is neutral and non-polar, with serine, which is neutral and polar, at codon 295 of the MUTYH protein (p.Pro295Ser). This variant is not present in population databases (gnomAD no frequency). This variant has not been reported in the literature in individuals affected with MUTYH-related conditions. ClinVar contains an entry for this variant (Variation ID: 444166). An algorithm developed to predict the effect of missense changes on protein structure and function (PolyPhen-2) suggests that this variant is likely to be disruptive. This variant disrupts the p.Pro295 amino acid residue in MUTYH. Other variant(s) that disrupt this residue have been determined to be pathogenic (PMID: 16941501, 18534194, 19732775, 25820570, 26377631). This suggests that this residue is clinically significant, and that variants that disrupt this residue are likely to be disease-causing. In summary, the available evidence is currently insufficient to determine the role of this variant in disease. Therefore, it has been classified as a Variant of Uncertain Significance.

CeGaT Center for Human Genetics Tuebingen
Classification: Uncertain significance. Last evaluated: 2017-03-01. Review status: criteria provided, single submitter. Criteria: CeGaT Center For Human Genetics Tuebingen Variant Classification Criteria Version 2. Collection method: clinical testing. Allele origin: germline. Affected: yes. Observed: 1 variant allele.

Literature cited by the submitters: PubMed 28726808 (cited by Ambry Genetics); PubMed 16941501 (cited by Labcorp Genetics (formerly Invitae), Labcorp); PubMed 18534194 (cited by Labcorp Genetics (formerly Invitae), Labcorp); PubMed 19732775 (cited by Labcorp Genetics (formerly Invitae), Labcorp); PubMed 25820570 (cited by Labcorp Genetics (formerly Invitae), Labcorp); PubMed 26377631 (cited by Labcorp Genetics (formerly Invitae), Labcorp).

NM_001048174.2(MUTYH):c.799C>T (p.Pro267Ser)

Gene: MUTYH (mutY DNA glycosylase; minus strand). Cytogenetic location: 1p34.1.
Variant type: single nucleotide variant.
Coding change: c.799C>T on transcript NM_001048174.2 (MANE Select); coding-DNA position 799, C replaced by T.
Protein change: p.Pro267Ser; replaces proline 267 with serine.
Molecular consequence: missense variant. On other transcripts: non-coding transcript variant (2).
Genome position (GRCh38, 1-based): chr1:45,332,216, G>A on the plus strand (C>T on the coding strand, the complement: MUTYH is on the minus strand). VCF-style: chr1-45332216-G-A. GRCh37 (hg19) VCF-style: chr1-45797888-G-A.
Other names: c.883C>T (NM_001128425.1); c.799C>T, p.Pro267Ser (NM_001048171.2, NM_001048173.2, NM_001293195.2); c.802C>T, p.Pro268Ser (NM_001048172.2); c.883C>T, p.Pro295Ser (NM_001128425.2); c.844C>T, p.Pro282Ser (NM_001293190.2); c.832C>T, p.Pro278Ser (NM_001293191.2); c.523C>T, p.Pro175Ser (NM_001293192.2, NM_001293196.2); c.454C>T, p.Pro152Ser (NM_001350650.2, NM_001350651.2); and 1 more; short protein forms P295S, P152S, P268S, P278S, P292S, P267S, P282S, P175S.
Identifiers: ClinVar variation 444166 (VCV000444166.47), dbSNP rs1553127634, ClinGen allele CA340134460.
Genomic context (GRCh38, chr1:45,332,216, plus strand): 5'-GTAGGCTTACTCTCTGGCGTGCCCGGCACAGGCTCTCCACAGGGCACTGGCTGCACAGTG[G>A]GCGCTGTGGGGTACACACTGTGGCCCCTAGCTCCATGGCTGCTTGGTTGAAATCTCCTGG-3'
Protein context (NP_001041639.1, residues 257-277): LGATVCTPQR[Pro267Ser]LCSQCPVESL